The following is an entry in ClinVar:

NM_017514.5(PLXNA3):c.578C>T (p.Ala193Val)

Gene: PLXNA3 (plexin A3; plus strand). Cytogenetic location: Xq28.
Variant type: single nucleotide variant.
Coding change: c.578C>T on transcript NM_017514.5 (MANE Select); coding-DNA position 578, C replaced by T.
Protein change: p.Ala193Val; replaces alanine 193 with valine.
Molecular consequence: missense variant.
Genome position (GRCh38, 1-based): chrX:154,460,761, C>T. VCF-style: chrX-154460761-C-T. GRCh37 (hg19) VCF-style: chrX-153689101-C-T.
Other names: short protein forms A193V.
Identifiers: ClinVar variation 3047184 (VCV003047184.2), dbSNP rs200421034, ClinGen allele CA10563725.

ClinVar aggregate classification (germline): Likely benign (0 of 4 stars; one submission).

Conditions:
PLXNA3-related disorder. Also called: PLXNA3-related condition.

Allele frequency attached by ClinVar (database versions not stated): ESP Exome Variant Server 0.00029.
gnomAD v4.1: 240 of 1,117,788 alleles (0.021%); highest among the groups gnomAD compares: South Asian, 0.13%; 1 homozygote.

Submission:

PreventionGenetics, part of Exact Sciences
Classification: Likely benign for PLXNA3-related condition. Last evaluated: 2019-03-14. Review status: no assertion criteria provided. Collection method: clinical testing. Allele origin: germline.
Comment: This variant is classified as likely benign based on ACMG/AMP sequence variant interpretation guidelines (Richards et al. 2015 PMID: 25741868, with internal and published modifications).